The following is an entry in ClinVar:

NM_001356.5(DDX3X):c.1806C>G (p.Tyr602Ter)

Gene: DDX3X (DEAD-box helicase 3 X-linked; plus strand). Cytogenetic location: Xp11.4.
Variant type: single nucleotide variant.
Coding change: c.1806C>G on transcript NM_001356.5 (MANE Select); coding-DNA position 1806, C replaced by G.
Protein change: p.Tyr602Ter; replaces tyrosine 602 with a stop codon.
Molecular consequence: nonsense. On other transcripts: non-coding transcript variant (1).
Genome position (GRCh38, 1-based): chrX:41,347,348, C>G. VCF-style: chrX-41347348-C-G. GRCh37 (hg19) VCF-style: chrX-41206601-C-G.
Other names: c.1803C>G, p.Tyr601Ter (NM_001193416.3); c.1758C>G, p.Tyr586Ter (NM_001193417.3); c.1245C>G, p.Tyr415Ter (NM_001363819.1); short protein forms Y415*, Y586*, Y601*, Y602*.
Identifiers: ClinVar variation 1172650 (VCV001172650.3), dbSNP rs2063939905, ClinGen allele CA412778829.

ClinVar aggregate classification (germline): Pathogenic. Review status: criteria provided, multiple submitters, no conflicts (2 of 4 stars). 2 submissions from 2 submitters: Pathogenic (2). Last evaluated 2023-09-12.

Conditions:
Intellectual disability. Also called: Intellectual functioning disability; intellectual disabilities; Intellectual developmental disorder. Identifiers: MedGen C3714756, MeSH D008607, MONDO:0001071, HP:0001249.
Inborn genetic diseases. Identifiers: MedGen C0950123, MeSH D030342.

Submissions (2):

Ambry Genetics
Classification: Pathogenic for Inborn genetic diseases. Last evaluated: 2023-09-12. Review status: criteria provided, single submitter. Criteria: Ambry Variant Classification Scheme 2023. Collection method: clinical testing. Allele origin: germline.
Comment: The c.1806C>G (p.Y602*) alteration, located in exon 16 (coding exon 16) of the DDX3X gene, consists of a C to G substitution at nucleotide position 1806. This changes the amino acid from a tyrosine (Y) to a stop codon at amino acid position 602. This alteration is expected to result in loss of function by premature protein truncation or nonsense-mediated mRNA decay. This variant was not reported in population-based cohorts in the Genome Aggregation Database (gnomAD). Based on the available evidence, this alteration is classified as pathogenic.

Equipe Genetique des Anomalies du Developpement, Université de Bourgogne
Classification: Pathogenic for Intellectual disability. Review status: criteria provided, single submitter. Criteria: ACMG Guidelines, 2015. Collection method: clinical testing. Allele origin: de novo. Affected: yes.